The following is an entry in ClinVar:

ClinVar aggregate classification (germline): Uncertain significance (1 of 4 stars; one submission).

Submission:

Women's Health and Genetics/Laboratory Corporation of America, LabCorp
Classification: Uncertain significance. Last evaluated: 2024-05-10. Review status: criteria provided, single submitter. Criteria: LabCorp Variant Classification Summary - May 2015. Collection method: clinical testing. Allele origin: germline.
Comment: Variant summary: CLIC2 c.679C>T (p.His227Tyr) results in a conservative amino acid change located in the Glutathione S-transferase, C-terminal-like domain (IPR010987) of the encoded protein sequence. Five of five in-silico tools predict a benign effect of the variant on protein function. The variant was absent in 182970 control chromosomes. The available data on variant occurrences in the general population are insufficient to allow any conclusion about variant significance. To our knowledge, no occurrence of c.679C>T in individuals affected with X-Linked Intellectual Disability-Cardiomegaly Heart Failure Syndrome and no experimental evidence demonstrating its impact on protein function have been reported. No submitters have cited clinical-significance assessments for this variant to ClinVar. Based on the evidence outlined above, the variant was classified as uncertain significance.

NM_001289.6(CLIC2):c.679C>T (p.His227Tyr)

Gene: CLIC2 (chloride intracellular channel 2; minus strand). Cytogenetic location: Xq28.
Variant type: single nucleotide variant.
Coding change: c.679C>T on transcript NM_001289.6 (MANE Select); coding-DNA position 679, C replaced by T.
Protein change: p.His227Tyr; replaces histidine 227 with tyrosine.
Molecular consequence: missense variant.
Genome position (GRCh38, 1-based): chrX:155,277,968, G>A on the plus strand (C>T on the coding strand, the complement: CLIC2 is on the minus strand). VCF-style: chrX-155277968-G-A. GRCh37 (hg19) VCF-style: chrX-154507257-G-A.
Other names: short protein forms H227Y.
Identifiers: ClinVar variation 3336049 (VCV003336049.1).